The following is an entry in ClinVar:

ClinVar aggregate classification (germline): Uncertain significance (1 of 4 stars; one submission).

Conditions:
EGFR-related lung cancer (EGFR). Identifiers: MedGen CN130014.

Submission:

Labcorp Genetics (formerly Invitae), Labcorp
Classification: Uncertain significance for EGFR-related lung cancer. Last evaluated: 2025-06-24. Review status: criteria provided, single submitter. Criteria: Invitae Variant Classification Sherloc (09022015). Collection method: clinical testing. Allele origin: germline.
Comment: This sequence change replaces asparagine, which is neutral and polar, with aspartic acid, which is acidic and polar, at codon 56 of the EGFR protein (p.Asn56Asp). This variant is not present in population databases (gnomAD no frequency). This variant has not been reported in the literature in individuals affected with EGFR-related conditions. Invitae Evidence Modeling of protein sequence and biophysical properties (such as structural, functional, and spatial information, amino acid conservation, physicochemical variation, residue mobility, and thermodynamic stability) indicates that this missense variant is not expected to disrupt EGFR protein function with a negative predictive value of 80%. In summary, the available evidence is currently insufficient to determine the role of this variant in disease. Therefore, it has been classified as a Variant of Uncertain Significance.

NM_005228.5(EGFR):c.166A>G (p.Asn56Asp)

Gene: EGFR (epidermal growth factor receptor; plus strand). Cytogenetic location: 7p11.2.
Variant type: single nucleotide variant.
Coding change: c.166A>G on transcript NM_005228.5 (MANE Select); coding-DNA position 166, A replaced by G.
Protein change: p.Asn56Asp; replaces asparagine 56 with aspartic acid.
Molecular consequence: missense variant. On other transcripts: intron variant (1).
Genome position (GRCh38, 1-based): chr7:55,142,363, A>G. VCF-style: chr7-55142363-A-G. GRCh37 (hg19) VCF-style: chr7-55210056-A-G.
Other names: c.166A>G, p.Asn56Asp (NM_001346897.2, NM_001346898.2, NM_001346899.2 and 3 more transcripts); c.7A>G, p.Asn3Asp (NM_001346900.2); c.89-13467A>G (NM_001346941.2); short protein forms N3D, N56D.
Identifiers: ClinVar variation 4744702 (VCV004744702.1).
Genomic context (GRCh38, chr7:55,142,363, plus strand): 5'-AACAAGCTCACGCAGTTGGGCACTTTTGAAGATCATTTTCTCAGCCTCCAGAGGATGTTC[A>G]ATAACTGTGAGGTGGTCCTTGGGAATTTGGAAATTACCTATGTGCAGAGGAATTATGATC-3'
Protein context (NP_005219.2, residues 46-66): DHFLSLQRMF[Asn56Asp]NCEVVLGNLE